The following is an entry in ClinVar:

ClinVar aggregate classification (germline): Uncertain significance. Review status: criteria provided, multiple submitters, no conflicts (2 of 4 stars). 4 submissions from 4 submitters: Uncertain significance (4). Last evaluated 2026-03-09.

Conditions:
PLEC-related disorder. Also called: PLEC-related disorders; PLEC-related condition.
Autosomal recessive limb-girdle muscular dystrophy type 2Q (LGMDR17). Also called: MUSCULAR DYSTROPHY, LIMB-GIRDLE, AUTOSOMAL RECESSIVE 17. Identifiers: Orphanet 254361, MedGen C3150989, MONDO:0013390, OMIM 613723.
Epidermolysis bullosa simplex with nail dystrophy (EBS5D). Identifiers: MedGen C4225309, MONDO:0014661, OMIM 616487.
Epidermolysis bullosa simplex 5C, with pyloric atresia (EBS5C). Also called: PLEC-Related Epidermolysis Bullosa with Pyloric Atresia; Epidermolysis bullosa simplex with pyloric atresia; PLEC1-Related Epidermolysis Bullosa with Pyloric Atresia. Identifiers: Orphanet 158684, MedGen C2677349, MONDO:0012807, OMIM 612138.
Epidermolysis bullosa simplex, Ogna type (EBS5A). Also called: Pidermolysis bullosa simplex 5A, Ogna type; EPIDERMOLYSIS BULLOSA SIMPLEX 5A, OGNA TYPE. Identifiers: Orphanet 79401, MedGen C0432317, MONDO:0007555, OMIM 131950.
Epidermolysis bullosa simplex 5B, with muscular dystrophy (EBS5B). Also called: EPIDERMOLYSIS BULLOSA SIMPLEX AND LIMB-GIRDLE MUSCULAR DYSTROPHY; Epidermolysis bullosa simplex with muscular dystrophy. Identifiers: Orphanet 257, MedGen C2931072, MONDO:0009181, OMIM 226670.

Allele frequency attached by ClinVar (database versions not stated): gnomAD 0.00004; TOPMed 0.00006; ESP Exome Variant Server 0.00008; ExAC 0.00014; gnomAD exomes 0.00016.
gnomAD v4.1: 143 of 1,599,102 alleles (0.0089%); highest among the groups gnomAD compares: Middle Eastern, 0.066%; no homozygotes.

Submissions (4):

PreventionGenetics, part of Exact Sciences
Classification: Uncertain significance for PLEC-related condition. Last evaluated: 2026-03-09. Review status: criteria provided, single submitter. Criteria: ACMG Guidelines, 2015. Collection method: clinical testing. Allele origin: germline.
Comment: The PLEC c.2849G>A variant is predicted to result in the amino acid substitution p.Arg950His. To our knowledge, this variant has not been reported in the literature. This variant is reported in 0.037% of alleles in individuals of Latino descent in gnomAD. At this time, the clinical significance of this variant is uncertain due to the absence of conclusive functional and genetic evidence.

Labcorp Genetics (formerly Invitae), Labcorp
Classification: Uncertain significance for Autosomal recessive limb-girdle muscular dystrophy type 2Q; Epidermolysis bullosa simplex, Ogna type; Epidermolysis bullosa simplex with nail dystrophy; Epidermolysis bullosa simplex 5C, with pyloric atresia; Epidermolysis bullosa simplex 5B, with muscular dystrophy. Last evaluated: 2025-12-01. Review status: criteria provided, single submitter. Criteria: Invitae Variant Classification Sherloc (09022015). Collection method: clinical testing. Allele origin: germline.
Comment: This sequence change replaces arginine, which is basic and polar, with histidine, which is basic and polar, at codon 950 of the PLEC protein (p.Arg950His). This variant is present in population databases (rs371122460, gnomAD 0.04%). This variant has not been reported in the literature in individuals affected with PLEC-related conditions. ClinVar contains an entry for this variant (Variation ID: 471562). Invitae Evidence Modeling of protein sequence and biophysical properties (such as structural, functional, and spatial information, amino acid conservation, physicochemical variation, residue mobility, and thermodynamic stability) indicates that this missense variant is not expected to disrupt PLEC protein function with a negative predictive value of 80%. In summary, the available evidence is currently insufficient to determine the role of this variant in disease. Therefore, it has been classified as a Variant of Uncertain Significance.

Revvity Omics, Revvity
Classification: Uncertain significance. Last evaluated: 2019-07-08. Review status: criteria provided, single submitter. Criteria: ACMG Guidelines, 2015. Collection method: clinical testing. Allele origin: germline.

Eurofins Ntd Llc (ga)
Classification: Uncertain significance. Last evaluated: 2018-02-15. Review status: criteria provided, single submitter. Criteria: EGL ClinVar v180209 classification definitions. Collection method: clinical testing. Allele origin: germline. Observed: 2 variant alleles, 2 heterozygotes.

NM_201384.3(PLEC):c.2768G>A (p.Arg923His)

Gene: PLEC (plectin; minus strand). Cytogenetic location: 8q24.3.
Variant type: single nucleotide variant.
Coding change: c.2768G>A on transcript NM_201384.3 (MANE Select); coding-DNA position 2768, G replaced by A.
Protein change: p.Arg923His; replaces arginine 923 with histidine.
Molecular consequence: missense variant.
Genome position (GRCh38, 1-based): chr8:143,929,801, C>T on the plus strand (G>A on the coding strand, the complement: PLEC is on the minus strand). VCF-style: chr8-143929801-C-T. GRCh37 (hg19) VCF-style: chr8-145003969-C-T.
Other names: c.2849G>A, p.Arg950His (NM_000445.5); c.2726G>A, p.Arg909His (NM_201378.4); c.2702G>A, p.Arg901His (NM_201379.3); c.3179G>A, p.Arg1060His (NM_201380.4); c.2672G>A, p.Arg891His (NM_201381.3); c.2768G>A, p.Arg923His (NM_201382.4); c.2780G>A, p.Arg927His (NM_201383.3); short protein forms R923H, R891H, R1060H, R927H, R950H, R901H, R909H.
Identifiers: ClinVar variation 471562 (VCV000471562.13), dbSNP rs371122460, ClinGen allele CA4927346.
Genomic context (GRCh38, chr8:143,929,801, plus strand): 5'-GCGTCCTGGCTGTCCCGCAGGAAGGCCTGGTAGTGCAGCTCCAGGCTGTGCAGGGCTTGG[C>T]GCTGCTCCTCTGGCTTCAGGGTGCGGAACTGGGGGAAGCACGTGGGGCTGAGTGCCGGGC-3'
Protein context (NP_958786.1, residues 913-933): TFRTLKPEEQ[Arg923His]QALHSLELHY